The following is an entry in ClinVar:

NM_000257.4(MYH7):c.5736C>T (p.Ile1912=)

Gene: MYH7 (myosin heavy chain 7; minus strand). Cytogenetic location: 14q11.2.
Variant type: single nucleotide variant.
Coding change: c.5736C>T on transcript NM_000257.4 (MANE Select); coding-DNA position 5736, C replaced by T.
Protein change: p.Ile1912=; no amino-acid change (isoleucine 1912 retained).
Molecular consequence: synonymous variant.
Genome position (GRCh38, 1-based): chr14:23,413,813, G>A on the plus strand (C>T on the coding strand, the complement: MYH7 is on the minus strand). VCF-style: chr14-23413813-G-A. GRCh37 (hg19) VCF-style: chr14-23883022-G-A.
Other names: NM_000257.3(MYH7):c.5736C>T.
Identifiers: ClinVar variation 43086 (VCV000043086.61), dbSNP rs200728597, ClinGen allele CA016427.

ClinVar aggregate classification (germline): Benign. Review status: reviewed by expert panel (3 of 4 stars). 17 submissions from 17 submitters: Benign (1). 16 of the submissions do not count toward it. Last evaluated 2025-11-11.

Conditions:
Cardiovascular phenotype. Identifiers: MedGen CN230736.
Cardiomyopathy (CMYO). Also called: Cardiomyopathies. Identifiers: Orphanet 167848, MedGen C0878544, MONDO:0004994, HP:0001638. Inheritance: Various modes of inheritance.
Hypertrophic cardiomyopathy. Also called: HYPERTROPHIC MYOCARDIOPATHY. Identifiers: Orphanet 217569, MedGen C0007194, MeSH D002312, MONDO:0005045, HP:0001639.

Allele frequency attached by ClinVar (database versions not stated): gnomAD exomes 0.00031 and 0.00062; 1000 Genomes Project 30x 0.00062; ExAC 0.00065; 1000 Genomes Project 0.00080; gnomAD 0.00002 and 0.00015; TOPMed 0.00004.
gnomAD v4.1: 497 of 1,614,260 alleles (0.031%); highest among the groups gnomAD compares: South Asian, 0.43%; 7 homozygotes.

Submissions (17):

ClinGen Cardiomyopathy Variant Curation Expert Panel
Classification: Benign for Hypertrophic cardiomyopathy. Last evaluated: 2025-11-11. Review status: reviewed by expert panel. Criteria: ClinGen CMP ACMG Specifications v1. Collection method: curation. Allele origin: germline. Inheritance: Autosomal dominant inheritance.
Comment: The filtering allele frequency of the c.5736C>T (p.Ile1912=) variant in the MYH7 gene is 0.36% (72/16512) of South Asian chromosomes by the Exome Aggregation Consortium, which is a high enough frequency to be classified as benign based on thresholds defined by the ClinGen Inherited Cardiomyopathy Expert Panel (BA1; PMID:29300372).

Labcorp Genetics (formerly Invitae), Labcorp
Classification: Benign for Hypertrophic cardiomyopathy. Last evaluated: 2026-01-10. Review status: criteria provided, single submitter. Criteria: Invitae Variant Classification Sherloc (09022015). Collection method: clinical testing. Allele origin: germline. Not counted in ClinVar's aggregate classification.

CeGaT Center for Human Genetics Tuebingen
Classification: Likely benign. Last evaluated: 2025-12-01. Review status: criteria provided, single submitter. Criteria: CeGaT Center For Human Genetics Tuebingen Variant Classification Criteria Version 2. Collection method: clinical testing. Allele origin: germline. Affected: yes. Observed: 5 variant alleles. Not counted in ClinVar's aggregate classification.
Comment: MYH7: BP4, BP7

Molecular Diagnostic Laboratory for Inherited Cardiovascular Disease, Montreal Heart Institute
Classification: Benign. Last evaluated: 2025-04-09. Review status: criteria provided, single submitter. Criteria: ACMG Guidelines, 2015. Collection method: clinical testing. Allele origin: germline. Affected: no. Not counted in ClinVar's aggregate classification.

Blueprint Genetics
Classification: Likely benign. Last evaluated: 2024-11-17. Review status: criteria provided, single submitter. Criteria: ACMG Guidelines, 2015. Collection method: clinical testing. Allele origin: germline. Not counted in ClinVar's aggregate classification.

All of Us Research Program, National Institutes of Health
Classification: Benign for Cardiomyopathy. Last evaluated: 2023-12-18. Review status: criteria provided, single submitter. Criteria: ACMG Guidelines, 2015. Collection method: clinical testing. Allele origin: germline. Inheritance: Autosomal dominant inheritance. Observed: 7 variant alleles, 7 heterozygotes. Not counted in ClinVar's aggregate classification.
Comment: This study involves interpretation of variants in research participants for the purpose of population health screening. Participant phenotype was not available at the time of variant classification. Additional details can be found in publication PMID: 35346344, PMCID: PMC8962531

Ambry Genetics
Classification: Likely benign for Cardiovascular phenotype. Last evaluated: 2023-07-30. Review status: criteria provided, single submitter. Criteria: Ambry Variant Classification Scheme 2023. Collection method: clinical testing. Allele origin: germline. Not counted in ClinVar's aggregate classification.

CHEO Genetics Diagnostic Laboratory, Children's Hospital of Eastern Ontario
Classification: Likely benign for Cardiomyopathy. Last evaluated: 2018-12-24. Review status: criteria provided, single submitter. Criteria: ACMG Guidelines, 2015. Collection method: clinical testing. Allele origin: germline. Not counted in ClinVar's aggregate classification.

Color Diagnostics, LLC DBA Color Health
Classification: Benign for Cardiomyopathy. Last evaluated: 2018-10-16. Review status: criteria provided, single submitter. Criteria: ACMG Guidelines, 2015. Collection method: clinical testing. Allele origin: germline. Not counted in ClinVar's aggregate classification.

Eurofins Ntd Llc (ga)
Classification: Likely benign. Last evaluated: 2018-08-16. Review status: criteria provided, single submitter. Criteria: EGL ClinVar v180209 classification definitions. Collection method: clinical testing. Allele origin: germline. Observed: 1 variant allele, 1 heterozygote. Not counted in ClinVar's aggregate classification.

Laboratory for Molecular Medicine, Mass General Brigham Personalized Medicine
Classification: Benign. Last evaluated: 2015-06-25. Review status: criteria provided, single submitter. Criteria: LMM Criteria. Collection method: clinical testing. Allele origin: germline. Observed: 2 variant alleles. Not counted in ClinVar's aggregate classification.
Comment: p.Ile1912Ile in exon 39 of MYH7: This variant is not expected to have clinical s ignificance because it does not alter an amino acid residue, is not located with in the splice consensus sequence, and has been identified in 0.4% (72/16512) of South Asian chromosomes by the Exome Aggregation Consortium (ExAC; dbSNP rs200728597).

GeneDx
Classification: Benign. Last evaluated: 2015-03-03. Review status: criteria provided, single submitter. Criteria: GeneDx Variant Classification Process June 2021. Collection method: clinical testing. Allele origin: germline. Affected: yes. Not counted in ClinVar's aggregate classification.

PreventionGenetics, part of Exact Sciences
Classification: Likely benign. Review status: criteria provided, single submitter. Criteria: ACMG Guidelines, 2015. Collection method: clinical testing. Allele origin: germline. Not counted in ClinVar's aggregate classification.

Diagnostic Laboratory, Department of Genetics, University Medical Center Groningen
Classification: Likely benign. Review status: no assertion criteria provided. Collection method: clinical testing. Allele origin: germline. Affected: yes. Study: VKGL Data-share Consensus. Not counted in ClinVar's aggregate classification.

Genome Diagnostics Laboratory, University Medical Center Utrecht
Classification: Likely benign. Review status: no assertion criteria provided. Collection method: clinical testing. Allele origin: germline. Affected: yes. Study: VKGL Data-share Consensus. Not counted in ClinVar's aggregate classification.

Joint Genome Diagnostic Labs from Nijmegen and Maastricht, Radboudumc and MUMC+
Classification: Likely benign. Review status: no assertion criteria provided. Collection method: clinical testing. Allele origin: germline. Affected: yes. Study: VKGL Data-share Consensus. Not counted in ClinVar's aggregate classification.

Laboratory of Diagnostic Genome Analysis, Leiden University Medical Center (LUMC)
Classification: Likely benign. Review status: no assertion criteria provided. Collection method: clinical testing. Allele origin: germline. Affected: yes. Study: VKGL Data-share Consensus. Not counted in ClinVar's aggregate classification.

Literature cited by the submitters: PubMed 29300372 (cited by ClinGen Cardiomyopathy Variant Curation Expert Panel).